The following is an entry in ClinVar:

ClinVar aggregate classification (germline): Uncertain significance. Review status: criteria provided, multiple submitters, no conflicts (2 of 4 stars). 4 submissions from 4 submitters: Uncertain significance (4). Last evaluated 2026-01-04.

Conditions:
Sinoatrial node dysfunction and deafness (SANDD). Identifiers: Orphanet 324321, MedGen C3554018, MONDO:0013960, OMIM 614896.
Aldosterone-producing adenoma with seizures and neurological abnormalities. Also called: Primary aldosteronism, seizures, and neurologic abnormalities. Identifiers: Orphanet 369929, MedGen C3809609, MONDO:0014200, OMIM 615474.
Inborn genetic diseases. Identifiers: MedGen C0950123, MeSH D030342.

Allele frequency attached by ClinVar (database versions not stated): TOPMed 0.00004; gnomAD 0.00005; gnomAD exomes 0.00006 and 0.00009; ExAC 0.00007; ESP Exome Variant Server 0.00015.
gnomAD v4.1: 136 of 1,613,846 alleles (0.0084%); highest among the groups gnomAD compares: Admixed American, 0.013%; no homozygotes.

Submissions (4):

Labcorp Genetics (formerly Invitae), Labcorp
Classification: Uncertain significance. Last evaluated: 2026-01-04. Review status: criteria provided, single submitter. Criteria: Invitae Variant Classification Sherloc (09022015). Collection method: clinical testing. Allele origin: germline.
Comment: This sequence change replaces arginine, which is basic and polar, with glutamine, which is neutral and polar, at codon 1033 of the CACNA1D protein (p.Arg1033Gln). This variant is present in population databases (rs150147528, gnomAD 0.02%). This variant has not been reported in the literature in individuals affected with CACNA1D-related conditions. ClinVar contains an entry for this variant (Variation ID: 1443910). Invitae Evidence Modeling of protein sequence and biophysical properties (such as structural, functional, and spatial information, amino acid conservation, physicochemical variation, residue mobility, and thermodynamic stability) indicates that this missense variant is not expected to disrupt CACNA1D protein function with a negative predictive value of 80%. In summary, the available evidence is currently insufficient to determine the role of this variant in disease. Therefore, it has been classified as a Variant of Uncertain Significance.

Ambry Genetics
Classification: Uncertain significance for Inborn genetic diseases. Last evaluated: 2025-05-18. Review status: criteria provided, single submitter. Criteria: Ambry Variant Classification Scheme 2023. Collection method: clinical testing. Allele origin: germline.

Fulgent Genetics
Classification: Uncertain significance for Sinoatrial node dysfunction and deafness; Aldosterone-producing adenoma with seizures and neurological abnormalities. Last evaluated: 2022-01-24. Review status: criteria provided, single submitter. Criteria: ACMG Guidelines, 2015. Collection method: clinical testing. Allele origin: unknown.

Revvity Omics, Revvity
Classification: Uncertain significance. Last evaluated: 2019-08-02. Review status: criteria provided, single submitter. Criteria: ACMG Guidelines, 2015. Collection method: clinical testing. Allele origin: germline.

NM_001128840.3(CACNA1D):c.3038G>A (p.Arg1013Gln)

Gene: CACNA1D (calcium voltage-gated channel subunit alpha1 D; plus strand). Cytogenetic location: 3p21.1.
Variant type: single nucleotide variant.
Coding change: c.3038G>A on transcript NM_001128840.3 (MANE Select); coding-DNA position 3038, G replaced by A.
Protein change: p.Arg1013Gln; replaces arginine 1013 with glutamine.
Molecular consequence: missense variant.
Genome position (GRCh38, 1-based): chr3:53,745,655, G>A. VCF-style: chr3-53745655-G-A. GRCh37 (hg19) VCF-style: chr3-53779682-G-A.
Other names: c.3098G>A (NM_000720.2, NM_000720.3); c.3098G>A, p.Arg1033Gln (NM_000720.4); c.3038G>A, p.Arg1013Gln (NM_001128839.3); short protein forms R1013Q, R1033Q.
Identifiers: ClinVar variation 1443910 (VCV001443910.10), dbSNP rs150147528, ClinGen allele CA2454438.